The following is an entry in ClinVar:

ClinVar aggregate classification (germline): Benign/Likely benign. Review status: criteria provided, multiple submitters, no conflicts (2 of 4 stars). 12 submissions from 10 submitters: Benign (9); Likely benign (1). 2 of the submissions do not count toward it. Last evaluated 2026-02-04.

Conditions:
Sclerosteosis 2 (SOST2). Identifiers: Orphanet 3152, MedGen C3280402, MONDO:0013679, OMIM 614305.
Cenani-Lenz syndactyly syndrome. Also called: CENANI SYNDACTYLISM; SYNDACTYLY, TYPE VII. Identifiers: Orphanet 3258, MedGen C1859309, MONDO:0008931, OMIM 212780.
Congenital myasthenic syndrome 17. Identifiers: Orphanet 590, MedGen C4225377, MONDO:0014578, OMIM 616304.

Allele frequency attached by ClinVar (database versions not stated): 1000 Genomes Project 30x 0.44191; 1000 Genomes Project 0.44589; TOPMed 0.49392; gnomAD 0.50674 and 0.51321; ESP Exome Variant Server 0.51615; ExAC 0.58490; gnomAD exomes 0.58576 and 0.63672.

Submissions (12):

Labcorp Genetics (formerly Invitae), Labcorp
Classification: Benign for Cenani-Lenz syndactyly syndrome; Sclerosteosis 2; Congenital myasthenic syndrome 17. Last evaluated: 2026-02-04. Review status: criteria provided, single submitter. Criteria: Invitae Variant Classification Sherloc (09022015). Collection method: clinical testing. Allele origin: germline.

Blueprint Genetics
Classification: Likely benign. Last evaluated: 2024-11-27. Review status: criteria provided, single submitter. Criteria: ACMG Guidelines, 2015. Collection method: clinical testing. Allele origin: germline.

Genome-Nilou Lab
Classification: Benign for Congenital myasthenic syndrome 17. Last evaluated: 2021-08-19. Review status: criteria provided, single submitter. Criteria: ACMG Guidelines, 2015. Collection method: clinical testing. Allele origin: germline. Affected: no.

Genome-Nilou Lab
Classification: Benign for Cenani-Lenz syndactyly syndrome. Last evaluated: 2021-08-19. Review status: criteria provided, single submitter. Criteria: ACMG Guidelines, 2015. Collection method: clinical testing. Allele origin: germline. Affected: no.

Genome-Nilou Lab
Classification: Benign for Sclerosteosis 2. Last evaluated: 2021-08-19. Review status: criteria provided, single submitter. Criteria: ACMG Guidelines, 2015. Collection method: clinical testing. Allele origin: germline. Affected: no.

GeneDx
Classification: Benign. Last evaluated: 2018-07-05. Review status: criteria provided, single submitter. Criteria: GeneDx Variant Classification Process June 2021. Collection method: clinical testing. Allele origin: germline. Affected: yes.
Comment: This variant is associated with the following publications: (PMID: 19079262, 23321396)

Mayo Clinic Laboratories, Mayo Clinic
Classification: Benign. Last evaluated: 2017-07-18. Review status: criteria provided, single submitter. Criteria: ACMG Guidelines, 2015. Collection method: clinical testing. Allele origin: germline. Observed: 374 variant alleles.

Eurofins Ntd Llc (ga)
Classification: Benign. Last evaluated: 2017-06-28. Review status: criteria provided, single submitter. Criteria: EGL Classification Definitions 2015. Collection method: clinical testing. Allele origin: germline. Observed: 1 variant allele, 1 heterozygote.

Illumina Laboratory Services, Illumina
Classification: Benign for Cenani-Lenz syndactyly syndrome. Last evaluated: 2017-04-27. Review status: criteria provided, single submitter. Criteria: ICSL Variant Classification Criteria 13 December 2019. Collection method: clinical testing. Allele origin: germline.
Comment: This variant was observed as part of a predisposition screen in an ostensibly healthy population. A literature search was performed for the gene, cDNA change, and amino acid change (where applicable). No publications were found based on this search. Allele frequency data from public databases was too high to be consistent with this variant causing disease. Therefore, this variant is classified as benign.

Breakthrough Genomics
Classification: Benign. Review status: criteria provided, single submitter. Criteria: ACMG Guidelines, 2015. Collection method: not provided. Allele origin: germline. Inheritance: Autosomal recessive inheritance. Affected: yes.

Diagnostic Laboratory, Department of Genetics, University Medical Center Groningen
Classification: Benign. Review status: no assertion criteria provided. Collection method: clinical testing. Allele origin: germline. Affected: yes. Study: VKGL Data-share Consensus. Not counted in ClinVar's aggregate classification.

Joint Genome Diagnostic Labs from Nijmegen and Maastricht, Radboudumc and MUMC+
Classification: Benign. Review status: no assertion criteria provided. Collection method: clinical testing. Allele origin: germline. Affected: yes. Study: VKGL Data-share Consensus. Not counted in ClinVar's aggregate classification.

NM_002334.4(LRP4):c.3256A>G (p.Ile1086Val)

Gene: LRP4 (LDL receptor related protein 4; minus strand). Cytogenetic location: 11p11.2.
Variant type: single nucleotide variant.
Coding change: c.3256A>G on transcript NM_002334.4 (MANE Select); coding-DNA position 3256, A replaced by G.
Protein change: p.Ile1086Val; replaces isoleucine 1086 with valine.
Molecular consequence: missense variant.
Genome position (GRCh38, 1-based): chr11:46,877,220, T>C on the plus strand (A>G on the coding strand, the complement: LRP4 is on the minus strand). VCF-style: chr11-46877220-T-C. GRCh37 (hg19) VCF-style: chr11-46898771-T-C.
Other names: short protein forms I1086V.
Identifiers: ClinVar variation 304872 (VCV000304872.31), dbSNP rs6485702, ClinGen allele CA5969662.
Genomic context (GRCh38, chr11:46,877,220, plus strand): 5'-GGGACAGAAGGCCAGGTGGGAAGAGAGGGCCATACAGACCTTCCTGGGGGTCTACTCCAA[T>C]GGCAATGGTGTTCTTCATGGTAATGTTGATTGGTACCACCACATCAGCAAAATAAGGGAT-3'
Protein context (NP_002325.2, residues 1076-1096): INITMKNTIA[Ile1086Val]GVDPQEGKVY